The following is an entry in ClinVar:

ClinVar aggregate classification (germline): Uncertain significance (1 of 4 stars; one submission).

Allele frequency attached by ClinVar (database versions not stated): gnomAD 0.00001; TOPMed 0.00002.
gnomAD v4.1: 2 of 1,614,054 alleles (0.00012%); highest among the groups gnomAD compares: East Asian, 0.0022%; no homozygotes.

Submission:

Labcorp Genetics (formerly Invitae), Labcorp
Classification: Uncertain significance. Last evaluated: 2024-05-02. Review status: criteria provided, single submitter. Criteria: Invitae Variant Classification Sherloc (09022015). Collection method: clinical testing. Allele origin: germline.
Comment: This sequence change replaces glycine, which is neutral and non-polar, with glutamic acid, which is acidic and polar, at codon 975 of the FLNB protein (p.Gly975Glu). This variant is not present in population databases (gnomAD no frequency). This variant has not been reported in the literature in individuals affected with FLNB-related conditions. ClinVar contains an entry for this variant (Variation ID: 1522094). Advanced modeling of protein sequence and biophysical properties (such as structural, functional, and spatial information, amino acid conservation, physicochemical variation, residue mobility, and thermodynamic stability) performed at Invitae indicates that this missense variant is not expected to disrupt FLNB protein function with a negative predictive value of 95%. In summary, the available evidence is currently insufficient to determine the role of this variant in disease. Therefore, it has been classified as a Variant of Uncertain Significance.

NM_001457.4(FLNB):c.2924G>A (p.Gly975Glu)

Gene: FLNB (filamin B; plus strand). Cytogenetic location: 3p14.3.
Variant type: single nucleotide variant.
Coding change: c.2924G>A on transcript NM_001457.4 (MANE Select); coding-DNA position 2924, G replaced by A.
Protein change: p.Gly975Glu; replaces glycine 975 with glutamic acid.
Molecular consequence: missense variant.
Genome position (GRCh38, 1-based): chr3:58,121,301, G>A. VCF-style: chr3-58121301-G-A. GRCh37 (hg19) VCF-style: chr3-58107028-G-A.
Other names: c.2924G>A, p.Gly975Glu (NM_001164317.2, NM_001164318.2, NM_001164319.2); short protein forms G975E.
Identifiers: ClinVar variation 1522094 (VCV001522094.8), dbSNP rs1390303574, ClinGen allele CA353347326.